The following is an entry in ClinVar:

ClinVar aggregate classification (germline): Benign. Review status: criteria provided, multiple submitters, no conflicts (2 of 4 stars). 3 submissions from 3 submitters: Benign (3). Last evaluated 2024-09-01.

Allele frequency attached by ClinVar (database versions not stated): 1000 Genomes Project 30x 0.00328; 1000 Genomes Project 0.00359; TOPMed 0.00581; ESP Exome Variant Server 0.00630; gnomAD 0.00641; gnomAD exomes 0.00727; ExAC 0.00752.
gnomAD v4.1: 14,759 of 1,614,146 alleles (0.91%); highest among the groups gnomAD compares: Non-Finnish European, 1%; 91 homozygotes.

Submissions (3):

CeGaT Center for Human Genetics Tuebingen
Classification: Benign. Last evaluated: 2024-09-01. Review status: criteria provided, single submitter. Criteria: CeGaT Center For Human Genetics Tuebingen Variant Classification Criteria Version 2. Collection method: clinical testing. Allele origin: germline. Affected: yes. Observed: 14 variant alleles.
Comment: SRGAP1: BS1, BS2

Labcorp Genetics (formerly Invitae), Labcorp
Classification: Benign. Last evaluated: 2019-12-31. Review status: criteria provided, single submitter. Criteria: Invitae Variant Classification Sherloc (09022015). Collection method: clinical testing. Allele origin: germline.

Breakthrough Genomics
Classification: Benign. Review status: criteria provided, single submitter. Criteria: ACMG Guidelines, 2015. Collection method: not provided. Allele origin: germline. Inheritance: Autosomal dominant inheritance. Affected: yes.

NM_020762.4(SRGAP1):c.2624A>G (p.His875Arg)

Gene: SRGAP1 (SLIT-ROBO Rho GTPase activating protein 1; plus strand). Cytogenetic location: 12q14.2.
Variant type: single nucleotide variant.
Coding change: c.2624A>G on transcript NM_020762.4 (MANE Select); coding-DNA position 2624, A replaced by G.
Protein change: p.His875Arg; replaces histidine 875 with arginine.
Molecular consequence: missense variant.
Genome position (GRCh38, 1-based): chr12:64,127,944, A>G. VCF-style: chr12-64127944-A-G. GRCh37 (hg19) VCF-style: chr12-64521724-A-G.
Other names: c.2555A>G, p.His852Arg (NM_001346201.2); short protein forms H875R, H852R.
Identifiers: ClinVar variation 783036 (VCV000783036.28), dbSNP rs61754221, ClinGen allele CA6667069.
Genomic context (GRCh38, chr12:64,127,944, plus strand): 5'-CCCCTCCAGTAAGGCGTCCTGGCAGGACCAGTGATGGCCATTGCCCGCTCCACCCTCCAC[A>G]TGCCCTTTCTAACTCCTCAGTTGACCTAGGGTCCCCAAGCCTTGCCAGTCACCCCCGGGG-3'
Protein context (NP_065813.1, residues 865-885): SDGHCPLHPP[His875Arg]ALSNSSVDLG